The following is an entry in ClinVar:

ClinVar aggregate classification (germline): Conflicting classifications of pathogenicity. Review status: criteria provided, conflicting classifications (1 of 4 stars). 3 submissions from 3 submitters: Uncertain significance (1); Likely benign (2). Last evaluated 2025-12-18.

Conditions:
CDHR1-related disorder. Also called: CDHR1-related condition.

Allele frequency attached by ClinVar (database versions not stated): gnomAD 0.00002; gnomAD exomes 0.00007 and 0.00034; TOPMed 0.00014; ExAC 0.00023.
gnomAD v4.1: 98 of 1,610,386 alleles (0.0061%); highest among the groups gnomAD compares: Admixed American, 0.16%; no homozygotes.

Submissions (3):

Labcorp Genetics (formerly Invitae), Labcorp
Classification: Likely benign. Last evaluated: 2025-12-18. Review status: criteria provided, single submitter. Criteria: Invitae Variant Classification Sherloc (09022015). Collection method: clinical testing. Allele origin: germline.

PreventionGenetics, part of Exact Sciences
Classification: Likely benign for CDHR1-related condition. Last evaluated: 2025-02-03. Review status: criteria provided, single submitter. Criteria: ACMG Guidelines, 2015. Collection method: clinical testing. Allele origin: germline.
Comment: This variant is classified as likely benign based on ACMG/AMP sequence variant interpretation guidelines (Richards et al. 2015 PMID: 25741868, with internal and published modifications).

Blueprint Genetics
Classification: Uncertain significance. Last evaluated: 2023-06-05. Review status: criteria provided, single submitter. Criteria: ACMG Guidelines, 2015. Collection method: clinical testing. Allele origin: germline.

NM_033100.4(CDHR1):c.2432T>G (p.Val811Gly)

Gene: CDHR1 (cadherin related family member 1; plus strand). Cytogenetic location: 10q23.1.
Variant type: single nucleotide variant.
Coding change: c.2432T>G on transcript NM_033100.4 (MANE Select); coding-DNA position 2432, T replaced by G.
Protein change: p.Val811Gly; replaces valine 811 with glycine.
Molecular consequence: missense variant. On other transcripts: intron variant (1).
Genome position (GRCh38, 1-based): chr10:84,214,473, T>G. VCF-style: chr10-84214473-T-G. GRCh37 (hg19) VCF-style: chr10-85974229-T-G.
Other names: c.2040+1125T>G (NM_001171971.3); short protein forms V811G.
Identifiers: ClinVar variation 833923 (VCV000833923.11), dbSNP rs757633926, ClinGen allele CA5580231.